The following is an entry in ClinVar:

NM_000061.3(BTK):c.1664T>C (p.Val555Ala)

Gene: BTK (Bruton tyrosine kinase; minus strand). Cytogenetic location: Xq22.1.
Variant type: single nucleotide variant.
Coding change: c.1664T>C on transcript NM_000061.3 (MANE Select); coding-DNA position 1664, T replaced by C.
Protein change: p.Val555Ala; replaces valine 555 with alanine.
Molecular consequence: missense variant.
Genome position (GRCh38, 1-based): chrX:101,353,956, A>G on the plus strand (T>C on the coding strand, the complement: BTK is on the minus strand). VCF-style: chrX-101353956-A-G. GRCh37 (hg19) VCF-style: chrX-100608944-A-G.
Other names: c.1766T>C, p.Val589Ala (NM_001287344.2); c.1136T>C, p.Val379Ala (NM_001287345.2); short protein forms V379A, V555A, V589A.
Identifiers: ClinVar variation 2962948 (VCV002962948.3), dbSNP rs370902664, ClinGen allele CA10472988.

ClinVar aggregate classification (germline): Uncertain significance (1 of 4 stars; one submission).

Conditions:
X-linked agammaglobulinemia with growth hormone deficiency (IGHD3). Also called: FLEISHER SYNDROME; HYPOGAMMAGLOBULINEMIA AND ISOLATED GROWTH HORMONE DEFICIENCY, X-LINKED; IGHD III; ISOLATED GROWTH HORMONE DEFICIENCY, TYPE III, WITH AGAMMAGLOBULINEMIA; AGAMMAGLOBULINEMIA AND ISOLATED GROWTH HORMONE DEFICIENCY, X-LINKED; Isolated growth hormone deficiency type 3. Identifiers: Orphanet 231692, Orphanet 631, MedGen C0472813, MONDO:0010615, OMIM 307200.

Allele frequency attached by ClinVar (database versions not stated): ExAC 0.00001; gnomAD 0.00002; TOPMed 0.00003; ESP Exome Variant Server 0.00009.
gnomAD v4.1: 2 of 1,208,670 alleles (0.00017%); highest among the groups gnomAD compares: African/African-American, 0.0035%; no homozygotes.

Submission:

Labcorp Genetics (formerly Invitae), Labcorp
Classification: Uncertain significance for X-linked agammaglobulinemia with growth hormone deficiency. Last evaluated: 2023-10-07. Review status: criteria provided, single submitter. Criteria: Invitae Variant Classification Sherloc (09022015). Collection method: clinical testing. Allele origin: germline.
Comment: This sequence change replaces valine, which is neutral and non-polar, with alanine, which is neutral and non-polar, at codon 555 of the BTK protein (p.Val555Ala). This variant is present in population databases (rs370902664, gnomAD 0.01%). This variant has not been reported in the literature in individuals affected with BTK-related conditions. Advanced modeling of protein sequence and biophysical properties (such as structural, functional, and spatial information, amino acid conservation, physicochemical variation, residue mobility, and thermodynamic stability) performed at Invitae indicates that this missense variant is not expected to disrupt BTK protein function. In summary, the available evidence is currently insufficient to determine the role of this variant in disease. Therefore, it has been classified as a Variant of Uncertain Significance.